The following is an entry in ClinVar:

NM_015559.3(SETBP1):c.4000+10T>A

Gene: SETBP1 (SET binding protein 1; plus strand). Cytogenetic location: 18q12.3.
Variant type: single nucleotide variant.
Coding change: c.4000+10T>A on transcript NM_015559.3 (MANE Select); 10 bases into the intron after coding-DNA position 4000, T replaced by A.
Molecular consequence: intron variant.
Genome position (GRCh38, 1-based): chr18:44,953,350, T>A. VCF-style: chr18-44953350-T-A. GRCh37 (hg19) VCF-style: chr18-42533315-T-A.
Other names: p.?; c.4000+10T>A (LRG_1150t1).
Identifiers: ClinVar variation 159877 (VCV000159877.19), dbSNP rs3786177, ClinGen allele CA173400.

ClinVar aggregate classification (germline): Benign. Review status: criteria provided, multiple submitters, no conflicts (2 of 4 stars). 7 submissions from 7 submitters: Benign (7). Last evaluated 2026-02-03.

Conditions:
Schinzel-Giedion syndrome (SGS). Identifiers: Orphanet 798, MedGen C0265227, MONDO:0010010, OMIM 269150.

Allele frequency attached by ClinVar (database versions not stated): ESP Exome Variant Server 0.09603; gnomAD 0.10035 and 0.10350; TOPMed 0.11381; 1000 Genomes Project 0.11861; gnomAD exomes 0.11955 and 0.13914; 1000 Genomes Project 30x 0.11961; ExAC 0.13903.
gnomAD v4.1: 189,964 of 1,609,664 alleles (12%); highest among the groups gnomAD compares: Admixed American, 28%; 12,937 homozygotes.

Submissions (7):

Labcorp Genetics (formerly Invitae), Labcorp
Classification: Benign. Last evaluated: 2026-02-03. Review status: criteria provided, single submitter. Criteria: Invitae Variant Classification Sherloc (09022015). Collection method: clinical testing. Allele origin: germline.

Unidad de Genómica Garrahan, Hospital de Pediatría Garrahan
Classification: Benign. Last evaluated: 2024-07-15. Review status: criteria provided, single submitter. Criteria: ACMG Guidelines, 2015. Collection method: clinical testing. Allele origin: germline. Affected: no. Observed: 42 variant alleles.
Comment: This variant is classified as Benign based on local population frequency. This variant was detected in 45% of patients studied in a panel designed for Epileptic and Developmental Encephalopathy and Progressive Myoclonus Epilepsy. Number of patients: 42. Only high quality variants are reported.

KCCC/NGS Laboratory, Kuwait Cancer Control Center
Classification: Benign for Schinzel-Giedion syndrome. Last evaluated: 2023-07-07. Review status: criteria provided, single submitter. Criteria: ACMG Guidelines, 2015. Collection method: clinical testing. Allele origin: germline. Affected: yes.

Athena Diagnostics
Classification: Benign. Last evaluated: 2018-05-07. Review status: criteria provided, single submitter. Criteria: Athena Diagnostics Criteria. Collection method: clinical testing. Allele origin: germline.

Mayo Clinic Laboratories, Mayo Clinic
Classification: Benign. Last evaluated: 2018-04-10. Review status: criteria provided, single submitter. Criteria: ACMG Guidelines, 2015. Collection method: clinical testing. Allele origin: germline. Observed: 143 variant alleles.

Genetic Services Laboratory, University of Chicago
Classification: Benign. Last evaluated: 2013-02-08. Review status: criteria provided, single submitter. Criteria: ACMG Guidelines, 2007. Collection method: clinical testing. Allele origin: germline. Inheritance: Autosomal dominant inheritance.

Breakthrough Genomics
Classification: Benign. Review status: criteria provided, single submitter. Criteria: ACMG Guidelines, 2015. Collection method: not provided. Allele origin: germline. Inheritance: Autosomal dominant inheritance. Affected: yes.